The following is an entry in ClinVar:

ClinVar aggregate classification (germline): Conflicting classifications of pathogenicity. Review status: criteria provided, conflicting classifications (1 of 4 stars). 2 submissions from 2 submitters: Uncertain significance (1); Likely benign (1). Last evaluated 2025-06-11.

Conditions:
Inborn genetic diseases. Identifiers: MedGen C0950123, MeSH D030342.

Allele frequency attached by ClinVar (database versions not stated): gnomAD exomes below 0.00001 and 0.00001; ExAC 0.00001; gnomAD 0.00001; TOPMed 0.00001.
gnomAD v4.1: 12 of 1,613,628 alleles (0.00074%); highest among the groups gnomAD compares: Non-Finnish European, 0.00093%; no homozygotes.

Submissions (2):

Ambry Genetics
Classification: Likely benign for Inborn genetic diseases. Last evaluated: 2025-06-11. Review status: criteria provided, single submitter. Criteria: Ambry Variant Classification Scheme 2023. Collection method: clinical testing. Allele origin: germline.

Labcorp Genetics (formerly Invitae), Labcorp
Classification: Uncertain significance. Last evaluated: 2021-09-24. Review status: criteria provided, single submitter. Criteria: Invitae Variant Classification Sherloc (09022015). Collection method: clinical testing. Allele origin: germline.
Comment: This sequence change replaces threonine with alanine at codon 282 of the HPS1 protein (p.Thr282Ala). The threonine residue is weakly conserved and there is a small physicochemical difference between threonine and alanine. This variant is present in population databases (rs746827841, ExAC 0.002%). This variant has not been reported in the literature in individuals with HPS1-related conditions. Algorithms developed to predict the effect of missense changes on protein structure and function output the following: SIFT: "Tolerated"; PolyPhen-2: "Benign"; Align-GVGD: "Class C0". The alanine amino acid residue is found in multiple mammalian species, suggesting that this missense change does not adversely affect protein function. These predictions have not been confirmed by published functional studies and their clinical significance is uncertain. Algorithms developed to predict the effect of sequence changes on RNA splicing suggest that this variant may create or strengthen a splice site, but this prediction has not been confirmed by published transcriptional studies. In summary, the available evidence is currently insufficient to determine the role of this variant in disease. Therefore, it has been classified as a Variant of Uncertain Significance.

NM_000195.5(HPS1):c.844A>G (p.Thr282Ala)

Gene: HPS1 (HPS1 biogenesis of lysosomal organelles complex 3 subunit 1; minus strand). Cytogenetic location: 10q24.2.
Variant type: single nucleotide variant.
Coding change: c.844A>G on transcript NM_000195.5 (MANE Select); coding-DNA position 844, A replaced by G.
Protein change: p.Thr282Ala; replaces threonine 282 with alanine.
Molecular consequence: missense variant. On other transcripts: 5 prime UTR variant (1), synonymous variant (1), intron variant (8).
Genome position (GRCh38, 1-based): chr10:98,429,814, T>C on the plus strand (A>G on the coding strand, the complement: HPS1 is on the minus strand). VCF-style: chr10-98429814-T-C. GRCh37 (hg19) VCF-style: chr10-100189571-T-C.
Other names: c.844A>G, p.Thr282Ala (NM_001322476.2, NM_001322477.2, NM_182639.4); c.583A>G, p.Thr195Ala (NM_001322480.2, NM_001322481.2); c.475A>G, p.Thr159Ala (NM_001322483.2, NM_001322484.2); c.-129A>G (NM_001322487.2); c.726A>G, p.Gln242= (NM_001322490.2); c.769-172A>G (NM_001322478.2, NM_001322479.2, NM_001322491.2); c.400-172A>G (NM_001322485.2); c.508-172A>G (NM_001322482.2); and 3 more; short protein forms T159A, T195A, T282A.
Identifiers: ClinVar variation 1418243 (VCV001418243.6), dbSNP rs746827841, ClinGen allele CA5639264.